The following is an entry in ClinVar:

NM_000222.3(KIT):c.865A>C (p.Met289Leu)

Gene: KIT (KIT proto-oncogene, receptor tyrosine kinase; plus strand). Cytogenetic location: 4q12.
Variant type: single nucleotide variant.
Coding change: c.865A>C on transcript NM_000222.3 (MANE Select); coding-DNA position 865, A replaced by C.
Protein change: p.Met289Leu; replaces methionine 289 with leucine.
Molecular consequence: missense variant.
Genome position (GRCh38, 1-based): chr4:54,703,832, A>C. VCF-style: chr4-54703832-A-C. GRCh37 (hg19) VCF-style: chr4-55569998-A-C.
Other names: c.865A>C, p.Met289Leu (NM_001093772.2, NM_001385285.1, NM_001385286.1); c.868A>C, p.Met290Leu (NM_001385284.1, NM_001385288.1, NM_001385290.1 and 1 more transcripts); short protein forms M289L, M290L.
Identifiers: ClinVar variation 4645140 (VCV004645140.2).
Genomic context (GRCh38, chr4:54,703,832, plus strand): 5'-TATGAACGTCAGGCAACGTTGACTATCAGTTCAGCGAGAGTTAATGATTCTGGAGTGTTC[A>C]TGTGTTATGCCAATAATACTTTTGGATCAGCAAATGTCACAACAACCTTGGAAGTAGTAG-3'
Protein context (NP_000213.1, residues 279-299): SARVNDSGVF[Met289Leu]CYANNTFGSA

ClinVar aggregate classification (germline): Uncertain significance. Review status: criteria provided, multiple submitters, no conflicts (2 of 4 stars). 2 submissions from 2 submitters: Uncertain significance (2). Last evaluated 2025-10-25.

Conditions:
Gastrointestinal stromal tumor. Also called: Gastrointestinal stromal tumor, somatic; Gastrointestinal stroma tumor. Identifiers: Orphanet 44890, MedGen C0238198, MeSH D046152, MONDO:0011719, OMIM 606764, HP:0100723.
Hereditary cancer-predisposing syndrome. Also called: Neoplastic Syndromes, Hereditary; Tumor predisposition; Hereditary Cancer Syndrome; Hereditary neoplastic syndrome. Identifiers: Orphanet 140162, MedGen C0027672, MeSH D009386, MONDO:0015356.

Submissions (2):

Ambry Genetics
Classification: Uncertain significance for Hereditary cancer-predisposing syndrome. Last evaluated: 2025-10-25. Review status: criteria provided, single submitter. Criteria: Ambry Variant Classification Scheme 2023. Collection method: clinical testing. Allele origin: germline.
Comment: The p.M289L variant (also known as c.865A>C), located in coding exon 5 of the KIT gene, results from an A to C substitution at nucleotide position 865. The methionine at codon 289 is replaced by leucine, an amino acid with highly similar properties. This amino acid position is conserved. In addition, this alteration is predicted to be tolerated by in silico analysis. Based on the available evidence, the clinical significance of this variant remains unclear.

Labcorp Genetics (formerly Invitae), Labcorp
Classification: Uncertain significance for Gastrointestinal stromal tumor. Last evaluated: 2025-03-01. Review status: criteria provided, single submitter. Criteria: Invitae Variant Classification Sherloc (09022015). Collection method: clinical testing. Allele origin: germline.
Comment: This sequence change replaces methionine, which is neutral and non-polar, with leucine, which is neutral and non-polar, at codon 289 of the KIT protein (p.Met289Leu). This variant is not present in population databases (gnomAD no frequency). This variant has not been reported in the literature in individuals affected with KIT-related conditions. An algorithm developed to predict the effect of missense changes on protein structure and function (PolyPhen-2) suggests that this variant is likely to be tolerated. In summary, the available evidence is currently insufficient to determine the role of this variant in disease. Therefore, it has been classified as a Variant of Uncertain Significance.